The following is an entry in ClinVar:

NM_000094.4(COL7A1):c.143C>T (p.Ser48Phe)

Gene: COL7A1 (collagen type VII alpha 1 chain; minus strand). Cytogenetic location: 3p21.31.
Variant type: single nucleotide variant.
Coding change: c.143C>T on transcript NM_000094.4 (MANE Select); coding-DNA position 143, C replaced by T.
Protein change: p.Ser48Phe; replaces serine 48 with phenylalanine.
Molecular consequence: missense variant.
Genome position (GRCh38, 1-based): chr3:48,594,491, G>A on the plus strand (C>T on the coding strand, the complement: COL7A1 is on the minus strand). VCF-style: chr3-48594491-G-A. GRCh37 (hg19) VCF-style: chr3-48631924-G-A.
Other names: short protein forms S48F.
Identifiers: ClinVar variation 2780023 (VCV002780023.4), dbSNP rs2531366088, ClinGen allele CA352749754.

ClinVar aggregate classification (germline): Pathogenic. Review status: criteria provided, multiple submitters, no conflicts (2 of 4 stars). 2 submissions from 2 submitters: Pathogenic (2). Last evaluated 2025-11-17.

Conditions:
Recessive dystrophic epidermolysis bullosa (RDEB). Also called: DYSTROPHIC EPIDERMOLYSIS BULLOSA, AUTOSOMAL RECESSIVE; EPIDERMOLYSIS BULLOSA DYSTROPHICA, HALLOPEAU-SIEMENS TYPE; Hallopeau-Siemens Disease; severe generalized recessive dystrophic epidermolysis bullosa; EPIDERMOLYSIS BULLOSA DYSTROPHICA, GENERALIZED SEVERE, AUTOSOMAL RECESSIVE; Epidermolysis Bullosa Distrophica Autosomal Recessive (RDEB). Identifiers: Orphanet 79408, Orphanet 79409, MedGen C0079474, MONDO:0009179, OMIM 226600.

Allele frequency attached by ClinVar (database versions not stated): gnomAD exomes below 0.00001.
gnomAD v4.1: 1 of 1,612,296 alleles (0.000062%); highest among the groups gnomAD compares: East Asian, 0.0022%; no homozygotes.

Submissions (2):

Women's Health and Genetics/Laboratory Corporation of America, LabCorp
Classification: Pathogenic for Recessive dystrophic epidermolysis bullosa. Last evaluated: 2025-11-17. Review status: criteria provided, single submitter. Criteria: LabCorp Variant Classification Summary - May 2015. Collection method: clinical testing. Allele origin: germline.
Comment: Variant summary: COL7A1 c.143C>T (p.Ser48Phe) results in a non-conservative amino acid change in the encoded protein sequence. Algorithms developed to predict the effect of missense changes on protein structure and function all suggest that this variant is likely to be disruptive. The variant was absent in 250512 control chromosomes (gnomAD). c.143C>T has been observed in individuals affected with Dystrophic Epidermolysis Bullosa, Recessive (Chen_2020, Lan_2024). These data indicate that the variant may be associated with disease. To our knowledge, no experimental evidence demonstrating an impact on protein function has been reported. The following publications have been ascertained in the context of this evaluation (PMID: 32484238, 36287101, 39039807). ClinVar contains an entry for this variant (Variation ID: 2780023). To our knowledge, this variant has not been reported in individuals with Dystrophic Epidermolysis Bullosa, Dominant. Based on the evidence outlined above, the variant was classified as pathogenic for Dystrophic Epidermolysis Bullosa, Recessive.

Labcorp Genetics (formerly Invitae), Labcorp
Classification: Pathogenic. Last evaluated: 2023-12-14. Review status: criteria provided, single submitter. Criteria: Invitae Variant Classification Sherloc (09022015). Collection method: clinical testing. Allele origin: germline.
Comment: This sequence change replaces serine, which is neutral and polar, with phenylalanine, which is neutral and non-polar, at codon 48 of the COL7A1 protein (p.Ser48Phe). This variant is not present in population databases (gnomAD no frequency). This missense change has been observed in individual(s) with autosomal recessive dystrophic epidermolysis bullosa (PMID: 32484238, 36287101). In at least one individual the data is consistent with being in trans (on the opposite chromosome) from a pathogenic variant. Advanced modeling of protein sequence and biophysical properties (such as structural, functional, and spatial information, amino acid conservation, physicochemical variation, residue mobility, and thermodynamic stability) has been performed at Invitae for this missense variant, however the output from this modeling did not meet the statistical confidence thresholds required to predict the impact of this variant on COL7A1 protein function. For these reasons, this variant has been classified as Pathogenic.

Literature cited by the submitters: PubMed 32484238 (cited by Women's Health and Genetics/Laboratory Corporation of America, LabCorp and Labcorp Genetics (formerly Invitae), Labcorp); PubMed 36287101 (cited by Women's Health and Genetics/Laboratory Corporation of America, LabCorp and Labcorp Genetics (formerly Invitae), Labcorp); PubMed 39039807 (cited by Women's Health and Genetics/Laboratory Corporation of America, LabCorp).